The following is an entry in ClinVar:

NM_001377.3(DYNC2H1):c.6709_6711delinsTGG (p.Arg2237Trp)

Gene: DYNC2H1 (dynein cytoplasmic 2 heavy chain 1; plus strand). Cytogenetic location: 11q22.3.
Variant type: Indel.
Coding change: c.6709_6711delinsTGG on transcript NM_001377.3 (MANE Select); coding-DNA positions 6709 to 6711, CGA replaced by TGG.
Protein change: p.Arg2237Trp; replaces arginine 2237 with tryptophan.
Molecular consequence: missense variant.
Genome position (GRCh38, 1-based): chr11:103,186,317-103,186,319, CGA replaced by TGG. VCF-style: chr11-103186317-CGA-TGG. GRCh37 (hg19) VCF-style: chr11-103057046-CGA-TGG.
Other names: c.6709_6711delinsTGG, p.Arg2237Trp (NM_001080463.2); short protein forms R2237W.
Identifiers: ClinVar variation 3364950 (VCV003364950.2).

ClinVar aggregate classification (germline): Uncertain significance (1 of 4 stars; one submission).

Submission:

GeneDx
Classification: Uncertain significance. Last evaluated: 2026-05-10. Review status: criteria provided, single submitter. Criteria: GeneDx Variant Classification Process June 2021. Collection method: clinical testing. Allele origin: germline.
Comment: Not observed at significant frequency in large population cohorts (gnomAD); In silico analysis suggests that this variant does not alter protein structure/function; Has not been previously published as pathogenic or benign to our knowledge